The following is an entry in ClinVar:

NM_014003.4(DHX38):c.1042G>A (p.Val348Met)

Gene: DHX38 (DEAH-box helicase 38; plus strand). Cytogenetic location: 16q22.2.
Variant type: single nucleotide variant.
Coding change: c.1042G>A on transcript NM_014003.4 (MANE Select); coding-DNA position 1042, G replaced by A.
Protein change: p.Val348Met; replaces valine 348 with methionine.
Molecular consequence: missense variant.
Genome position (GRCh38, 1-based): chr16:72,099,813, G>A. VCF-style: chr16-72099813-G-A. GRCh37 (hg19) VCF-style: chr16-72133712-G-A.
Other names: short protein forms V348M.
Identifiers: ClinVar variation 808075 (VCV000808075.44), dbSNP rs201188851, ClinGen allele CA8160190.
Genomic context (GRCh38, chr16:72,099,813, plus strand): 5'-ATGATGGACGAGGGCTATGACGAGTTCCACAACCCGCTGGCCTACTCCTCCGAGGACTAC[G>A]TGAGGAGGCGGGAGCAGCACCTGCATAAACAGAAGCAGAAGCGCATTTCAGCTCAGCGGA-3'
Protein context (NP_054722.2, residues 338-358): NPLAYSSEDY[Val348Met]RRREQHLHKQ

ClinVar aggregate classification (germline): Uncertain significance. Review status: criteria provided, multiple submitters, no conflicts (2 of 4 stars). 2 submissions from 2 submitters: Uncertain significance (2). Last evaluated 2022-07-06.

Allele frequency attached by ClinVar (database versions not stated): ExAC 0.00001; gnomAD exomes 0.00001 and 0.00002; TOPMed 0.00002.
gnomAD v4.1: 18 of 1,614,062 alleles (0.0011%); highest among the groups gnomAD compares: East Asian, 0.0089%; no homozygotes.

Submissions (2):

Labcorp Genetics (formerly Invitae), Labcorp
Classification: Uncertain significance. Last evaluated: 2022-07-06. Review status: criteria provided, single submitter. Criteria: Invitae Variant Classification Sherloc (09022015). Collection method: clinical testing. Allele origin: germline.
Comment: This sequence change replaces valine, which is neutral and non-polar, with methionine, which is neutral and non-polar, at codon 348 of the DHX38 protein (p.Val348Met). This variant is present in population databases (rs201188851, gnomAD 0.02%). This variant has not been reported in the literature in individuals affected with DHX38-related conditions. ClinVar contains an entry for this variant (Variation ID: 808075). Algorithms developed to predict the effect of missense changes on protein structure and function are either unavailable or do not agree on the potential impact of this missense change (SIFT: "Deleterious"; PolyPhen-2: "Possibly Damaging"; Align-GVGD: "Class C0"). In summary, the available evidence is currently insufficient to determine the role of this variant in disease. Therefore, it has been classified as a Variant of Uncertain Significance.

CeGaT Center for Human Genetics Tuebingen
Classification: Uncertain significance. Last evaluated: 2016-06-01. Review status: criteria provided, single submitter. Criteria: CeGaT Center For Human Genetics Tuebingen Variant Classification Criteria Version 2. Collection method: clinical testing. Allele origin: germline. Affected: yes. Observed: 1 variant allele.